The following is an entry in ClinVar:

ClinVar aggregate classification (germline): Uncertain significance (1 of 4 stars; one submission).

Conditions:
Cardiovascular phenotype. Identifiers: MedGen CN230736.

Submission:

Ambry Genetics
Classification: Uncertain significance for Cardiovascular phenotype. Last evaluated: 2025-02-09. Review status: criteria provided, single submitter. Criteria: Ambry Variant Classification Scheme 2023. Collection method: clinical testing. Allele origin: germline.
Comment: The p.V161A variant (also known as c.482T>C), located in coding exon 4 of the DSP gene, results from a T to C substitution at nucleotide position 482. The valine at codon 161 is replaced by alanine, an amino acid with similar properties. This amino acid position is conserved. In addition, this alteration is predicted to be tolerated by in silico analysis. Based on the available evidence, the clinical significance of this variant remains unclear.

NM_004415.4(DSP):c.482T>C (p.Val161Ala)

Gene: DSP (desmoplakin; plus strand). Cytogenetic location: 6p24.3.
Variant type: single nucleotide variant.
Coding change: c.482T>C on transcript NM_004415.4 (MANE Select); coding-DNA position 482, T replaced by C.
Protein change: p.Val161Ala; replaces valine 161 with alanine.
Molecular consequence: missense variant.
Genome position (GRCh38, 1-based): chr6:7,559,285, T>C. VCF-style: chr6-7559285-T-C. GRCh37 (hg19) VCF-style: chr6-7559518-T-C.
Other names: c.482T>C, p.Val161Ala (NM_001008844.3, NM_001319034.2, NM_001406591.1); short protein forms V161A.
Identifiers: ClinVar variation 3842699 (VCV003842699.1).